The following is an entry in ClinVar:

ClinVar aggregate classification (germline): Conflicting classifications of pathogenicity. Review status: criteria provided, conflicting classifications (1 of 4 stars). 3 submissions from 3 submitters: Uncertain significance (2); Likely benign (1). Last evaluated 2025-12-15.

Conditions:
Hereditary cancer-predisposing syndrome. Also called: Hereditary Cancer Syndrome; Neoplastic Syndromes, Hereditary; Tumor predisposition; Hereditary neoplastic syndrome. Identifiers: Orphanet 140162, MedGen C0027672, MeSH D009386, MONDO:0015356.
Intellectual disability, autosomal dominant 16 (CSS4). Also called: COFFIN-SIRIS SYNDROME 4. Identifiers: Orphanet 1465, MedGen C3553249, MONDO:0013821, OMIM 614609.
Rhabdoid tumor predisposition syndrome 2 (RTPS2). Identifiers: Orphanet 231108, Orphanet 69077, MedGen C2750074, MONDO:0013224, OMIM 613325.

Allele frequency attached by ClinVar (database versions not stated): TOPMed 0.00002; gnomAD 0.00006.
gnomAD v4.1: 5 of 1,551,064 alleles (0.00032%); highest among the groups gnomAD compares: African/African-American, 0.0068%; no homozygotes.

Submissions (3):

Labcorp Genetics (formerly Invitae), Labcorp
Classification: Uncertain significance for Rhabdoid tumor predisposition syndrome 2. Last evaluated: 2025-12-15. Review status: criteria provided, single submitter. Criteria: Invitae Variant Classification Sherloc (09022015). Collection method: clinical testing. Allele origin: germline.
Comment: This sequence change replaces aspartic acid, which is acidic and polar, with glutamic acid, which is acidic and polar, at codon 1660 of the SMARCA4 protein (p.Asp1660Glu). This variant is present in population databases (no rsID available, gnomAD 0.02%). This variant has not been reported in the literature in individuals affected with SMARCA4-related conditions. ClinVar contains an entry for this variant (Variation ID: 480608). Invitae Evidence Modeling of protein sequence and biophysical properties (such as structural, functional, and spatial information, amino acid conservation, physicochemical variation, residue mobility, and thermodynamic stability) has been performed for this missense variant. However, the output from this modeling did not meet the statistical confidence thresholds required to predict the impact of this variant on SMARCA4 protein function. In summary, the available evidence is currently insufficient to determine the role of this variant in disease. Therefore, it has been classified as a Variant of Uncertain Significance.

Ambry Genetics
Classification: Likely benign for Hereditary cancer-predisposing syndrome. Last evaluated: 2024-03-25. Review status: criteria provided, single submitter. Criteria: Ambry Variant Classification Scheme 2023. Collection method: clinical testing. Allele origin: germline.

Genome-Nilou Lab
Classification: Uncertain significance for Intellectual disability, autosomal dominant 16. Last evaluated: 2021-07-15. Review status: criteria provided, single submitter. Criteria: ACMG Guidelines, 2015. Collection method: clinical testing. Allele origin: germline. Affected: no.

NM_003072.5(SMARCA4):c.4884C>G (p.Asp1628Glu)

Gene: SMARCA4 (SWI/SNF related BAF chromatin remodeling complex subunit ATPase 4; plus strand). Cytogenetic location: 19p13.2.
Variant type: single nucleotide variant.
Coding change: c.4884C>G on transcript NM_003072.5 (MANE Select); coding-DNA position 4884, C replaced by G.
Protein change: p.Asp1628Glu; replaces aspartic acid 1628 with glutamic acid.
Molecular consequence: missense variant. On other transcripts: non-coding transcript variant (1).
Genome position (GRCh38, 1-based): chr19:11,060,160, C>G. VCF-style: chr19-11060160-C-G. GRCh37 (hg19) VCF-style: chr19-11170836-C-G.
Other names: c.4884C>G, p.Asp1628Glu (NM_001128844.3); c.4794C>G, p.Asp1598Glu (NM_001128845.2); c.4791C>G, p.Asp1597Glu (NM_001128846.2); c.4785C>G, p.Asp1595Glu (NM_001128847.4, NM_001374457.1); c.4782C>G, p.Asp1594Glu (NM_001128848.2); c.4980C>G, p.Asp1660Glu (NM_001128849.3, NM_001387283.1); short protein forms D1660E, D1595E, D1598E, D1597E, D1594E, D1628E.
Identifiers: ClinVar variation 480608 (VCV000480608.16), dbSNP rs778856307, ClinGen allele CA404080910.